The following is an entry in ClinVar:

ClinVar aggregate classification (germline): Uncertain significance (1 of 4 stars; one submission).

Conditions:
Neonatal encephalomyopathy-cardiomyopathy-respiratory distress syndrome. Also called: Coenzyme Q10 deficiency, primary, 7. Identifiers: Orphanet 457185, MedGen C5568562, MONDO:0014562, OMIM 616276.

Allele frequency attached by ClinVar (database versions not stated): gnomAD 0.00001; gnomAD exomes 0.00002 and 0.00004; TOPMed 0.00002; ExAC 0.00003.
gnomAD v4.1: 56 of 1,604,922 alleles (0.0035%); highest among the groups gnomAD compares: Non-Finnish European, 0.0046%; no homozygotes.

Submission:

Labcorp Genetics (formerly Invitae), Labcorp
Classification: Uncertain significance for Neonatal encephalomyopathy-cardiomyopathy-respiratory distress syndrome. Last evaluated: 2025-04-20. Review status: criteria provided, single submitter. Criteria: Invitae Variant Classification Sherloc (09022015). Collection method: clinical testing. Allele origin: germline.
Comment: This sequence change replaces glutamic acid, which is acidic and polar, with valine, which is neutral and non-polar, at codon 251 of the COQ4 protein (p.Glu251Val). This variant is present in population databases (rs764026213, gnomAD 0.007%). This variant has not been reported in the literature in individuals affected with COQ4-related conditions. ClinVar contains an entry for this variant (Variation ID: 542772). Invitae Evidence Modeling of protein sequence and biophysical properties (such as structural, functional, and spatial information, amino acid conservation, physicochemical variation, residue mobility, and thermodynamic stability) has been performed for this missense variant. However, the output from this modeling did not meet the statistical confidence thresholds required to predict the impact of this variant on COQ4 protein function. In summary, the available evidence is currently insufficient to determine the role of this variant in disease. Therefore, it has been classified as a Variant of Uncertain Significance.

NM_016035.5(COQ4):c.752A>T (p.Glu251Val)

Gene: COQ4 (coenzyme Q4; plus strand). Cytogenetic location: 9q34.11.
Variant type: single nucleotide variant.
Coding change: c.752A>T on transcript NM_016035.5 (MANE Select); coding-DNA position 752, A replaced by T.
Protein change: p.Glu251Val; replaces glutamic acid 251 with valine.
Molecular consequence: missense variant. On other transcripts: 3 prime UTR variant (1).
Genome position (GRCh38, 1-based): chr9:128,333,599, A>T. VCF-style: chr9-128333599-A-T. GRCh37 (hg19) VCF-style: chr9-131095878-A-T.
Other names: c.*128A>T (NM_001305942.2); short protein forms E251V.
Identifiers: ClinVar variation 542772 (VCV000542772.7), dbSNP rs764026213, ClinGen allele CA5260684.